The following is an entry in ClinVar:

ClinVar aggregate classification (germline): Likely pathogenic (1 of 4 stars; one submission).

Conditions:
Arginase deficiency. Also called: Arginase 1 Deficiency; ARGININEMIA; ARG1 DEFICIENCY. Identifiers: Orphanet 90, MedGen C0268548, MONDO:0008814, OMIM 207800.

Submission:

Myriad Genetics, Inc.
Classification: Likely pathogenic for Arginase deficiency. Last evaluated: 2022-01-02. Review status: criteria provided, single submitter. Criteria: Myriad Women's Health Autosomal Recessive and X-Linked Classification Criteria (2021). Collection method: clinical testing. Allele origin: unknown.
Comment: NM_000045.3(ARG1):c.182_184delACAinsG(D61Gfs*56) is expected to be pathogenic in the context of argininemia. This variant is predicted to lead to an abnormal or absent protein product due to the creation of a premature termination codon in ARG1, a gene where loss-of-function variants are known to be pathogenic. Please note: this variant was assessed in the context of healthy population screening.

NM_000045.4(ARG1):c.182_184delinsG (p.Asp61fs)

Genes: ARG1 (arginase 1; plus strand), MED23 (mediator complex subunit 23; minus strand). Cytogenetic location: 6q23.2.
Variant type: Indel.
Coding change: c.182_184delinsG on transcript NM_000045.4 (MANE Select); coding-DNA positions 182 to 184, ACA replaced by G.
Protein change: p.Asp61fs; shifts the reading frame from aspartic acid 61.
Molecular consequence: frameshift variant. On other transcripts: non-coding transcript variant (1), intron variant (2).
Genome position (GRCh38, 1-based): chr6:131,579,162-131,579,164, ACA replaced by G. VCF-style: chr6-131579162-ACA-G. GRCh37 (hg19) VCF-style: chr6-131900302-ACA-G.
Other names: c.206_208delinsG, p.Asp69fs (NM_001244438.2); c.182_184delinsG, p.Asp61fs (NM_001369020.1); c.4078-4869_4078-4867delinsC (NM_001270521.2); c.4096-4869_4096-4867delinsC (NM_015979.4); short protein forms D61fs, D69fs.
Identifiers: ClinVar variation 1726867 (VCV001726867.2), dbSNP rs2482351701, ClinGen allele CA2580075104.